The following is an entry in ClinVar:

NM_001042492.3(NF1):c.3637dup (p.Thr1213fs)

Gene: NF1 (neurofibromin 1; plus strand). Cytogenetic location: 17q11.2.
Variant type: Duplication.
Coding change: c.3637dup on transcript NM_001042492.3 (MANE Select); coding-DNA position 3637, one base duplicated (A; older notation c.3637dupA).
Protein change: p.Thr1213fs; shifts the reading frame from threonine 1213.
Molecular consequence: frameshift variant.
Genome position (GRCh38, 1-based): chr17:31,233,142, A duplicated. VCF-style (leftmost placement, unchanged base first): chr17-31233141-C-CA. GRCh37 (hg19) VCF-style: chr17-29560159-C-CA.
Other names: c.3637dup, p.Thr1213Asnfs (NM_000267.4); short protein forms T1213fs.
Identifiers: ClinVar variation 1070971 (VCV001070971.5), dbSNP rs2151435655, ClinGen allele CA2499224107.

ClinVar aggregate classification (germline): Pathogenic (1 of 4 stars; one submission).

Conditions:
Neurofibromatosis, type 1 (NF1). Also called: VON RECKLINGHAUSEN DISEASE; Peripheral type neurofibromatosis; NEUROFIBROMATOSIS, TYPE I, SOMATIC; Neurofibromatosis, type I. Identifiers: Orphanet 636, MedGen C0027831, MONDO:0018975, OMIM 162200. Disease mechanism: loss of function.

Submission:

Labcorp Genetics (formerly Invitae), Labcorp
Classification: Pathogenic for Neurofibromatosis, type 1. Last evaluated: 2022-11-01. Review status: criteria provided, single submitter. Criteria: Invitae Variant Classification Sherloc (09022015). Collection method: clinical testing. Allele origin: germline.
Comment: For these reasons, this variant has been classified as Pathogenic. ClinVar contains an entry for this variant (Variation ID: 1070971). This variant has not been reported in the literature in individuals affected with NF1-related conditions. This variant is not present in population databases (gnomAD no frequency). This sequence change creates a premature translational stop signal (p.Thr1213Asnfs*5) in the NF1 gene. It is expected to result in an absent or disrupted protein product. Loss-of-function variants in NF1 are known to be pathogenic (PMID: 10712197, 23913538).

Literature cited by the submitters: PubMed 10712197; PubMed 23913538.